The following is an entry in ClinVar:

ClinVar aggregate classification (germline): Uncertain significance (1 of 4 stars; one submission).

Conditions:
Familial thoracic aortic aneurysm and aortic dissection (TAAD). Also called: Thoracic aortic aneurysms and dissections. Identifiers: Orphanet 91387, MedGen C4707243, MONDO:0019625.

Submission:

Ambry Genetics
Classification: Uncertain significance for Familial thoracic aortic aneurysm and aortic dissection. Last evaluated: 2023-03-16. Review status: criteria provided, single submitter. Criteria: Ambry Variant Classification Scheme 2023. Collection method: clinical testing. Allele origin: germline.
Comment: The p.S335P variant (also known as c.1003T>C), located in coding exon 9 of the PRKG1 gene, results from a T to C substitution at nucleotide position 1003. The serine at codon 335 is replaced by proline, an amino acid with similar properties. This amino acid position is conserved. In addition, this alteration is predicted to be deleterious by in silico analysis. Since supporting evidence is limited at this time, the clinical significance of this alteration remains unclear.

NM_006258.4(PRKG1):c.1003T>C (p.Ser335Pro)

Gene: PRKG1 (protein kinase cGMP-dependent 1; plus strand). Cytogenetic location: 10q21.1.
Variant type: single nucleotide variant.
Coding change: c.1003T>C on transcript NM_006258.4 (MANE Select); coding-DNA position 1003, T replaced by C.
Protein change: p.Ser335Pro; replaces serine 335 with proline.
Molecular consequence: missense variant. On other transcripts: 5 prime UTR variant (1).
Genome position (GRCh38, 1-based): chr10:52,161,890, T>C. VCF-style: chr10-52161890-T-C. GRCh37 (hg19) VCF-style: chr10-53921650-T-C.
Other names: c.958T>C, p.Ser320Pro (NM_001098512.3); c.-207T>C (NM_001374781.1); short protein forms S320P, S335P.
Identifiers: ClinVar variation 2565413 (VCV002565413.2), dbSNP rs2492440857, ClinGen allele CA376534434.
Genomic context (GRCh38, chr10:52,161,890, plus strand): 5'-AGGTTGCCATTGCTACTATTTTGTAGAAGATTAATCACTGTGCTTTTTTCGTCTGACAGC[T>C]CTTTTAAACATTTGATTGGAGGGCTGGATGATGTTTCTAATAAAGCATATGAAGATGCAG-3'
Protein context (NP_006249.1, residues 325-345): AVTCLVIDRD[Ser335Pro]FKHLIGGLDD